The following is an entry in ClinVar:

NM_001370165.1(SYTL4):c.1570G>A (p.Glu524Lys)

Gene: SYTL4 (synaptotagmin like 4; minus strand). Cytogenetic location: Xq22.1.
Variant type: single nucleotide variant.
Coding change: c.1570G>A on transcript NM_001370165.1 (MANE Select); coding-DNA position 1570, G replaced by A.
Protein change: p.Glu524Lys; replaces glutamic acid 524 with lysine.
Molecular consequence: missense variant.
Genome position (GRCh38, 1-based): chrX:100,679,401, C>T on the plus strand (G>A on the coding strand, the complement: SYTL4 is on the minus strand). VCF-style: chrX-100679401-C-T. GRCh37 (hg19) VCF-style: chrX-99934398-C-T.
Other names: c.1570G>A, p.Glu524Lys (NM_001129896.3, NM_001174068.2, NM_001370160.1 and 9 more transcripts); short protein forms E524K.
Identifiers: ClinVar variation 2661038 (VCV002661038.24), dbSNP rs140740598, ClinGen allele CA10469783.

ClinVar aggregate classification (germline): Likely benign (1 of 4 stars; one submission).

Allele frequency attached by ClinVar (database versions not stated): ESP Exome Variant Server 0.00009; gnomAD 0.00016; TOPMed 0.00017; gnomAD exomes 0.00026; ExAC 0.00042.
gnomAD v4.1: 314 of 1,205,157 alleles (0.026%); highest among the groups gnomAD compares: Middle Eastern, 0.28%; 1 homozygote.

Submission:

CeGaT Center for Human Genetics Tuebingen
Classification: Likely benign. Last evaluated: 2023-03-01. Review status: criteria provided, single submitter. Criteria: CeGaT Center For Human Genetics Tuebingen Variant Classification Criteria Version 2. Collection method: clinical testing. Allele origin: germline. Affected: yes. Observed: 1 variant allele.
Comment: SYTL4: BS2